The following is an entry in ClinVar:

NM_183381.3(RNF13):c.606+1G>T

Gene: RNF13 (ring finger protein 13; plus strand). Cytogenetic location: 3q25.1.
Variant type: single nucleotide variant.
Coding change: c.606+1G>T on transcript NM_183381.3 (MANE Select); the canonical splice donor site of the intron after coding-DNA position 606, G replaced by T.
Molecular consequence: splice donor variant.
Genome position (GRCh38, 1-based): chr3:149,912,084, G>T. VCF-style: chr3-149912084-G-T. GRCh37 (hg19) VCF-style: chr3-149629871-G-T.
Other names: c.606+1G>T (NM_007282.4, NM_001378286.1, NM_001378285.1); c.249+1G>T (NM_183383.2, NM_001378288.1, NM_001378289.1 and 2 more transcripts); c.213+1G>T (NM_001378291.1).
Identifiers: ClinVar variation 4720003 (VCV004720003.1).

ClinVar aggregate classification (germline): Uncertain significance (1 of 4 stars; one submission).

Submission:

Labcorp Genetics (formerly Invitae), Labcorp
Classification: Uncertain significance. Last evaluated: 2025-10-10. Review status: criteria provided, single submitter. Criteria: Invitae Variant Classification Sherloc (09022015). Collection method: clinical testing. Allele origin: germline.
Comment: This sequence change affects a donor splice site in intron 8 of the RNF13 gene. It is expected to disrupt RNA splicing. Variants that disrupt the donor or acceptor splice site typically lead to a loss of protein function (PMID: 16199547), however the current clinical and genetic evidence is not sufficient to establish whether loss-of-function variants in RNF13 cause disease. This variant is not present in population databases (gnomAD no frequency). This variant has not been reported in the literature in individuals affected with RNF13-related conditions. Algorithms developed to predict the effect of sequence changes on RNA splicing suggest that this variant may disrupt the consensus splice site. In summary, the available evidence is currently insufficient to determine the role of this variant in disease. Therefore, it has been classified as a Variant of Uncertain Significance.

Literature cited by the submitters: PubMed 16199547.